The following is an entry in ClinVar:

NM_182895.5(SCARF2):c.2227_2238delinsAGGCGGGGCCGCA (p.Ala743fs)

Gene: SCARF2 (scavenger receptor class F member 2; minus strand). Cytogenetic location: 22q11.21.
Variant type: Indel.
Coding change: c.2227_2238delinsAGGCGGGGCCGCA on transcript NM_182895.5 (MANE Select); coding-DNA positions 2227 to 2238, GCGCGGGGCCGC replaced by AGGCGGGGCCGCA.
Protein change: p.Ala743fs; shifts the reading frame from alanine 743.
Molecular consequence: frameshift variant.
Genome position (GRCh38, 1-based): chr22:20,425,738-20,425,749, GCGGCCCCGCGC replaced by TGCGGCCCCGCCT on the plus strand (GCGCGGGGCCGC replaced by AGGCGGGGCCGCA on the coding strand, the reverse complement: SCARF2 is on the minus strand). VCF-style: chr22-20425738-GCGGCCCCGCGC-TGCGGCCCCGCCT. GRCh37 (hg19) VCF-style: chr22-20780026-GCGGCGCGCGC-TGCGGCCCCGCCT.
Other names: c.2242_2253delinsAGGCGGGGCCGCA, p.Ala748fs (NM_153334.7); short protein forms A743fs, A748fs.
Identifiers: ClinVar variation 4845895 (VCV004845895.1).

ClinVar aggregate classification (germline): Likely pathogenic (1 of 4 stars; one submission).

Conditions:
Van den Ende-Gupta syndrome (VDEGS). Also called: BLEPHAROPHIMOSIS, ARACHNODACTYLY, AND CONGENITAL CONTRACTURES. Identifiers: Orphanet 2460, MedGen C1833136, MONDO:0010959, OMIM 600920.

Submission:

First Genomix Gene Laboratory, Genetic Diagnostics Department
Classification: Likely pathogenic for Van den Ende-Gupta syndrome. Last evaluated: 2025-05-05. Review status: criteria provided, single submitter. Criteria: ACMG Guidelines, 2015. Collection method: clinical testing. Allele origin: germline. Inheritance: Autosomal recessive inheritance. Affected: no. Observed: 1 variant allele.